The following is an entry in ClinVar:

ClinVar aggregate classification (germline): Uncertain significance (1 of 4 stars; one submission).

Conditions:
Spastic paraplegia 87, autosomal recessive (SPG87). Identifiers: Orphanet 631088, MedGen C5774182, MONDO:0031019, OMIM 619966.

Submission:

Foundation for Research in Genetics and Endocrinology, FRIGE's Institute of Human Genetics
Classification: Uncertain significance for Spastic paraplegia 87, autosomal recessive. Last evaluated: 2026-06-02. Review status: criteria provided, single submitter. Criteria: ACMG Guidelines, 2015. Collection method: clinical testing. Allele origin: germline. Inheritance: Autosomal recessive inheritance. Affected: yes. Observed: 1 variant allele, 1 homozygote.
Comment: A homozygous missense variant in exon 14 of the TMEM63C gene that results in the amino acid substitution of Glycine for Aspartic acid at codon 393 (p.Asp393Gly) was detected. The variant has not been reported in the 1000 genomes and topmed databases and has a minor allele frequency of 0.00066% and 0.00120% in the gnomAD (v3.1) and gnomAD (v2.1) databases respectively. The in-silico predictions of the variant are possibly damaging by PolyPhen-2 and damaging by SIFT, LRT and CONDEL. The reference codon is conserved across species. In summary, the variant meets our criteria to be classified as variant of uncertain significance.

NM_020431.4(TMEM63C):c.1178A>G (p.Asp393Gly)

Gene: TMEM63C (transmembrane protein 63C; plus strand). Cytogenetic location: 14q24.3.
Variant type: single nucleotide variant.
Coding change: c.1178A>G on transcript NM_020431.4 (MANE Select); coding-DNA position 1178, A replaced by G.
Protein change: p.Asp393Gly; replaces aspartic acid 393 with glycine.
Molecular consequence: missense variant.
Genome position (GRCh38, 1-based): chr14:77,242,460, A>G. VCF-style: chr14-77242460-A-G. GRCh37 (hg19) VCF-style: chr14-77708803-A-G.
Other names: p.Asp393Gly; short protein forms D393G.
Identifiers: ClinVar variation 4852581 (VCV004852581.1).